The following is an entry in ClinVar:

NM_005559.4(LAMA1):c.2166G>A (p.Ser722=)

Gene: LAMA1 (laminin subunit alpha 1; minus strand). Cytogenetic location: 18p11.31.
Variant type: single nucleotide variant.
Coding change: c.2166G>A on transcript NM_005559.4 (MANE Select); coding-DNA position 2166, G replaced by A.
Protein change: p.Ser722=; no amino-acid change (serine 722 retained).
Molecular consequence: synonymous variant.
Genome position (GRCh38, 1-based): chr18:7,032,174, C>T on the plus strand (G>A on the coding strand, the complement: LAMA1 is on the minus strand). VCF-style: chr18-7032174-C-T. GRCh37 (hg19) VCF-style: chr18-7032173-C-T.
Other names: p.Ser722=.
Identifiers: ClinVar variation 3043736 (VCV003043736.4), dbSNP rs376692947, ClinGen allele CA8882731.
Genomic context (GRCh38, chr18:7,032,174, plus strand): 5'-ACAGGGTTGACAAATTCCTCCAAAGAGTATTCCATCCACGCGGTAATAGCCAGAGAGGCA[C>T]GACTGCAAGAGAAGGGAAAGTCATCCTCTTTCCACTACGTTACAAACAGAAACTGCTCAG-3'
Protein context (NP_005550.2, residues 712-732): PQGYTGTSCE[Ser722=]CLSGYYRVDG

ClinVar aggregate classification (germline): Likely benign. Review status: criteria provided, multiple submitters, no conflicts (2 of 4 stars). 3 submissions from 3 submitters: Likely benign (2). 1 of the submissions does not count toward it. Last evaluated 2025-03-18.

Conditions:
LAMA1-related disorder. Also called: LAMA1-related disorders; LAMA1-related condition.

Allele frequency attached by ClinVar (database versions not stated): ExAC 0.00001; ESP Exome Variant Server 0.00008.

Submissions (3):

Mayo Clinic Laboratories, Mayo Clinic
Classification: Likely benign. Last evaluated: 2025-03-18. Review status: criteria provided, single submitter. Criteria: ACMG Guidelines, 2015. Collection method: clinical testing. Allele origin: germline. Observed: 1 variant allele.
Comment: BP4, BP7

Blueprint Genetics
Classification: Likely benign. Last evaluated: 2022-03-15. Review status: criteria provided, single submitter. Criteria: ACMG Guidelines, 2015. Collection method: clinical testing. Allele origin: germline.

PreventionGenetics, part of Exact Sciences
Classification: Likely benign for LAMA1-related condition. Last evaluated: 2019-05-31. Review status: no assertion criteria provided. Collection method: clinical testing. Allele origin: germline. Not counted in ClinVar's aggregate classification.
Comment: This variant is classified as likely benign based on ACMG/AMP sequence variant interpretation guidelines (Richards et al. 2015 PMID: 25741868, with internal and published modifications).